The following is an entry in ClinVar:

ClinVar aggregate classification (germline): Benign. Review status: criteria provided, multiple submitters, no conflicts (2 of 4 stars). 3 submissions from 3 submitters: Benign (2). 1 of the submissions does not count toward it. Last evaluated 2025-12-24.

Conditions:
VPS13C-related disorder. Also called: VPS13C-related condition.

Allele frequency attached by ClinVar (database versions not stated): gnomAD exomes 0.00240; ExAC 0.00314; 1000 Genomes Project 0.00958; gnomAD 0.01016 and 0.01095; TOPMed 0.01025; 1000 Genomes Project 30x 0.01031; ESP Exome Variant Server 0.01161.
gnomAD v4.1: 2,799 of 1,535,878 alleles (0.18%); highest among the groups gnomAD compares: African/African-American, 3.5%; 50 homozygotes.

Submissions (3):

Labcorp Genetics (formerly Invitae), Labcorp
Classification: Benign. Last evaluated: 2025-12-24. Review status: criteria provided, single submitter. Criteria: Invitae Variant Classification Sherloc (09022015). Collection method: clinical testing. Allele origin: germline.

Breakthrough Genomics
Classification: Benign. Review status: criteria provided, single submitter. Criteria: ACMG Guidelines, 2015. Collection method: not provided. Allele origin: germline. Inheritance: Autosomal recessive inheritance. Affected: yes.

PreventionGenetics, part of Exact Sciences
Classification: Benign for VPS13C-related condition. Last evaluated: 2019-05-22. Review status: no assertion criteria provided. Collection method: clinical testing. Allele origin: germline. Not counted in ClinVar's aggregate classification.
Comment: This variant is classified as benign based on ACMG/AMP sequence variant interpretation guidelines (Richards et al. 2015 PMID: 25741868, with internal and published modifications).

NM_020821.3(VPS13C):c.2297C>A (p.Thr766Asn)

Gene: VPS13C (vacuolar protein sorting 13 homolog C; minus strand). Cytogenetic location: 15q22.2.
Variant type: single nucleotide variant.
Coding change: c.2297C>A on transcript NM_020821.3 (MANE Select); coding-DNA position 2297, C replaced by A.
Protein change: p.Thr766Asn; replaces threonine 766 with asparagine.
Molecular consequence: missense variant.
Genome position (GRCh38, 1-based): chr15:61,977,193, G>T on the plus strand (C>A on the coding strand, the complement: VPS13C is on the minus strand). VCF-style: chr15-61977193-G-T. GRCh37 (hg19) VCF-style: chr15-62269392-G-T.
Other names: c.2297C>A, p.Thr766Asn (NM_001018088.3); c.2168C>A, p.Thr723Asn (NM_017684.5, NM_018080.4); short protein forms T766N, T723N.
Identifiers: ClinVar variation 781292 (VCV000781292.13), dbSNP rs115290371, ClinGen allele CA7596759.